The following is an entry in ClinVar:

ClinVar aggregate classification (germline): Uncertain significance (1 of 4 stars; one submission).

Conditions:
Spastic paraplegia. Identifiers: MedGen C0037772, HP:0001258.

Allele frequency attached by ClinVar (database versions not stated): TOPMed below 0.00001.

Submission:

Labcorp Genetics (formerly Invitae), Labcorp
Classification: Uncertain significance for Spastic paraplegia. Last evaluated: 2020-03-30. Review status: criteria provided, single submitter. Criteria: Invitae Variant Classification Sherloc (09022015). Collection method: clinical testing. Allele origin: germline.
Comment: Algorithms developed to predict the effect of missense changes on protein structure and function are either unavailable or do not agree on the potential impact of this missense change (SIFT: "Deleterious"; PolyPhen-2: "Probably Damaging"; Align-GVGD: "Class C0"). Algorithms developed to predict the effect of sequence changes on RNA splicing suggest that this variant may create or strengthen a splice site, but this prediction has not been confirmed by published transcriptional studies. In summary, the available evidence is currently insufficient to determine the role of this variant in disease. Therefore, it has been classified as a Variant of Uncertain Significance. This sequence change replaces lysine with arginine at codon 827 of the KIF5A protein (p.Lys827Arg). The lysine residue is highly conserved and there is a small physicochemical difference between lysine and arginine. This variant is not present in population databases (ExAC no frequency). This variant has not been reported in the literature in individuals with KIF5A-related conditions.

NM_004984.4(KIF5A):c.2480A>G (p.Lys827Arg)

Gene: KIF5A (kinesin family member 5A; plus strand). Cytogenetic location: 12q13.3.
Variant type: single nucleotide variant.
Coding change: c.2480A>G on transcript NM_004984.4 (MANE Select); coding-DNA position 2480, A replaced by G.
Protein change: p.Lys827Arg; replaces lysine 827 with arginine.
Molecular consequence: missense variant.
Genome position (GRCh38, 1-based): chr12:57,578,284, A>G. VCF-style: chr12-57578284-A-G. GRCh37 (hg19) VCF-style: chr12-57972067-A-G.
Other names: c.2213A>G, p.Lys738Arg (NM_001354705.2); short protein forms K738R, K827R.
Identifiers: ClinVar variation 1063461 (VCV001063461.9), dbSNP rs1882491979, ClinGen allele CA385513541.